The following is an entry in ClinVar:

ClinVar aggregate classification (germline): Conflicting classifications of pathogenicity. Review status: criteria provided, conflicting classifications (1 of 4 stars). 2 submissions from 2 submitters: Likely pathogenic (1); Uncertain significance (1). Last evaluated 2025-08-04.

Submissions (2):

GeneDx
Classification: Likely pathogenic. Last evaluated: 2025-08-04. Review status: criteria provided, single submitter. Criteria: GeneDx Variant Classification Process June 2021. Collection method: clinical testing. Allele origin: germline.
Comment: Not observed at significant frequency in large population cohorts (gnomAD); In silico analysis supports that this missense variant has a deleterious effect on protein structure/function; Has not been previously published as pathogenic or benign to our knowledge

Labcorp Genetics (formerly Invitae), Labcorp
Classification: Uncertain significance. Last evaluated: 2023-11-20. Review status: criteria provided, single submitter. Criteria: Invitae Variant Classification Sherloc (09022015). Collection method: clinical testing. Allele origin: germline.
Comment: This sequence change replaces cysteine, which is neutral and slightly polar, with tryptophan, which is neutral and slightly polar, at codon 1928 of the MYO7A protein (p.Cys1928Trp). This variant is not present in population databases (gnomAD no frequency). This variant has not been reported in the literature in individuals affected with MYO7A-related conditions. Advanced modeling of protein sequence and biophysical properties (such as structural, functional, and spatial information, amino acid conservation, physicochemical variation, residue mobility, and thermodynamic stability) performed at Invitae indicates that this missense variant is expected to disrupt MYO7A protein function with a positive predictive value of 95%. In summary, the available evidence is currently insufficient to determine the role of this variant in disease. Therefore, it has been classified as a Variant of Uncertain Significance.

NM_000260.4(MYO7A):c.5784C>G (p.Cys1928Trp)

Gene: MYO7A (myosin VIIA; plus strand). Cytogenetic location: 11q13.5.
Variant type: single nucleotide variant.
Coding change: c.5784C>G on transcript NM_000260.4 (MANE Select); coding-DNA position 5784, C replaced by G.
Protein change: p.Cys1928Trp; replaces cysteine 1928 with tryptophan.
Molecular consequence: missense variant.
Genome position (GRCh38, 1-based): chr11:77,207,330, C>G. VCF-style: chr11-77207330-C-G. GRCh37 (hg19) VCF-style: chr11-76918375-C-G.
Other names: c.5670C>G, p.Cys1890Trp (NM_001127180.2); c.5637C>G, p.Cys1879Trp (NM_001369365.1); c.5784C>G (NM_000260.3); short protein forms C1879W, C1890W, C1928W.
Identifiers: ClinVar variation 2697542 (VCV002697542.5), dbSNP rs1235545023, ClinGen allele CA381953996.